The following is an entry in ClinVar:

NM_001128205.2(SULF1):c.272G>A (p.Arg91Gln)

Gene: SULF1 (sulfatase 1; plus strand). Cytogenetic location: 8q13.2.
Variant type: single nucleotide variant.
Coding change: c.272G>A on transcript NM_001128205.2 (MANE Select); coding-DNA position 272, G replaced by A.
Protein change: p.Arg91Gln; replaces arginine 91 with glutamine.
Molecular consequence: missense variant. On other transcripts: non-coding transcript variant (2).
Genome position (GRCh38, 1-based): chr8:69,576,069, G>A. VCF-style: chr8-69576069-G-A. GRCh37 (hg19) VCF-style: chr8-70488304-G-A.
Other names: c.272G>A, p.Arg91Gln (NM_001128204.2, NM_001128206.2, NM_001412828.1 and 19 more transcripts); c.86G>A, p.Arg29Gln (NM_001412841.1, NM_001412842.1); c.-255G>A (NM_001412844.1, NM_001412845.1); c.-1430G>A (NM_001412846.1); short protein forms R29Q, R91Q.
Identifiers: ClinVar variation 2331189 (VCV002331189.6), dbSNP rs149786573, ClinGen allele CA4775530.
Genomic context (GRCh38, chr8:69,576,069, plus strand): 5'-AACATGGGGGGGCCACCTTCATCAATGCCTTTGTGACTACACCCATGTGCTGCCCGTCAC[G>A]GTCCTCCATGCTCACCGGGAAGTATGTGCACAATCACAATGTCTACACCAACAACGAGAA-3'
Protein context (NP_001121677.1, residues 81-101): FVTTPMCCPS[Arg91Gln]SSMLTGKYVH

ClinVar aggregate classification (germline): Uncertain significance. Review status: criteria provided, multiple submitters, no conflicts (2 of 4 stars). 2 submissions from 2 submitters: Uncertain significance (2). Last evaluated 2025-11-25.

Allele frequency attached by ClinVar (database versions not stated): gnomAD 0.00001; TOPMed 0.00001; gnomAD exomes 0.00002; 1000 Genomes Project 30x 0.00016; 1000 Genomes Project 0.00020; ExAC 0.00002.
gnomAD v4.1: 25 of 1,614,142 alleles (0.0015%); highest among the groups gnomAD compares: Non-Finnish European, 0.0019%; no homozygotes.

Submissions (2):

Labcorp Genetics (formerly Invitae), Labcorp
Classification: Uncertain significance. Last evaluated: 2025-11-25. Review status: criteria provided, single submitter. Criteria: Invitae Variant Classification Sherloc (09022015). Collection method: clinical testing. Allele origin: germline.
Comment: This sequence change replaces arginine, which is basic and polar, with glutamine, which is neutral and polar, at codon 91 of the SULF1 protein (p.Arg91Gln). This variant is present in population databases (rs149786573, gnomAD 0.003%). This variant has not been reported in the literature in individuals affected with SULF1-related conditions. ClinVar contains an entry for this variant (Variation ID: 2331189). An algorithm developed to predict the effect of missense changes on protein structure and function (PolyPhen-2) suggests that this variant is likely to be disruptive. In summary, the available evidence is currently insufficient to determine the role of this variant in disease. Therefore, it has been classified as a Variant of Uncertain Significance.

Ambry Genetics
Classification: Uncertain significance. Last evaluated: 2025-01-21. Review status: criteria provided, single submitter. Criteria: Ambry Variant Classification Scheme 2023. Collection method: clinical testing. Allele origin: germline.